The following is an entry in ClinVar:

ClinVar aggregate classification (germline): Uncertain significance. Review status: criteria provided, multiple submitters, no conflicts (2 of 4 stars). 2 submissions from 2 submitters: Uncertain significance (2). Last evaluated 2022-08-17.

Conditions:
Inborn genetic diseases. Identifiers: MedGen C0950123, MeSH D030342.

Allele frequency attached by ClinVar (database versions not stated): gnomAD exomes below 0.00001.
gnomAD v4.1: 1 of 1,613,964 alleles (0.000062%); highest among the groups gnomAD compares: Admixed American, 0.0017%; no homozygotes.

Submissions (2):

Ambry Genetics
Classification: Uncertain significance for Inborn genetic diseases. Last evaluated: 2022-08-17. Review status: criteria provided, single submitter. Criteria: Ambry Variant Classification Scheme 2023. Collection method: clinical testing. Allele origin: germline.

Labcorp Genetics (formerly Invitae), Labcorp
Classification: Uncertain significance. Last evaluated: 2022-03-06. Review status: criteria provided, single submitter. Criteria: Invitae Variant Classification Sherloc (09022015). Collection method: clinical testing. Allele origin: germline.
Comment: Algorithms developed to predict the effect of missense changes on protein structure and function output the following: SIFT: "Tolerated"; PolyPhen-2: "Benign"; Align-GVGD: "Class C0". The leucine amino acid residue is found in multiple mammalian species, which suggests that this missense change does not adversely affect protein function. This sequence change replaces valine, which is neutral and non-polar, with leucine, which is neutral and non-polar, at codon 527 of the WDR1 protein (p.Val527Leu). This variant is not present in population databases (gnomAD no frequency). This variant has not been reported in the literature in individuals affected with WDR1-related conditions. In summary, the available evidence is currently insufficient to determine the role of this variant in disease. Therefore, it has been classified as a Variant of Uncertain Significance.

NM_017491.5(WDR1):c.1579G>C (p.Val527Leu)

Gene: WDR1 (WD repeat domain 1; minus strand). Cytogenetic location: 4p16.1.
Variant type: single nucleotide variant.
Coding change: c.1579G>C on transcript NM_017491.5 (MANE Select); coding-DNA position 1579, G replaced by C.
Protein change: p.Val527Leu; replaces valine 527 with leucine.
Molecular consequence: missense variant.
Genome position (GRCh38, 1-based): chr4:10,077,439, C>G on the plus strand (G>C on the coding strand, the complement: WDR1 is on the minus strand). VCF-style: chr4-10077439-C-G. GRCh37 (hg19) VCF-style: chr4-10079063-C-G.
Other names: c.1159G>C, p.Val387Leu (NM_005112.5); short protein forms V527L, V387L.
Identifiers: ClinVar variation 1948403 (VCV001948403.6), dbSNP rs2547342531, ClinGen allele CA356354816.